The following is an entry in ClinVar:

NM_005045.4(RELN):c.7919G>C (p.Trp2640Ser)

Gene: RELN (reelin; minus strand). Cytogenetic location: 7q22.1.
Variant type: single nucleotide variant.
Coding change: c.7919G>C on transcript NM_005045.4 (MANE Select); coding-DNA position 7919, G replaced by C.
Protein change: p.Trp2640Ser; replaces tryptophan 2640 with serine.
Molecular consequence: missense variant.
Genome position (GRCh38, 1-based): chr7:103,515,385, C>G on the plus strand (G>C on the coding strand, the complement: RELN is on the minus strand). VCF-style: chr7-103515385-C-G. GRCh37 (hg19) VCF-style: chr7-103155832-C-G.
Other names: c.7919G>C, p.Trp2640Ser (NM_173054.3); short protein forms W2640S.
Identifiers: ClinVar variation 372970 (VCV000372970.1), dbSNP rs1057518108, ClinGen allele CA16042562.

ClinVar aggregate classification (germline): Likely pathogenic (1 of 4 stars; one submission).

Submission:

GeneDx
Classification: Likely pathogenic. Last evaluated: 2016-06-21. Review status: criteria provided, single submitter. Criteria: GeneDx Variant Classification (06012015). Collection method: clinical testing. Allele origin: germline. Affected: yes.
Comment: The W2640S variant in the RELN gene has not been reported previously as a pathogenic variant, nor as a benign variant, to our knowledge. The W2640S variant was not observed in approximately 6500 individuals of European and African American ancestry in the NHLBI Exome Sequencing Project, indicating it is not a common benign variant in these populations. The W2640S variant is a non-conservative amino acid substitution, which is likely to impact secondary protein structure as these residues differ in polarity, charge, size and/or other properties. This substitution occurs at a position that is conserved across species. In silico analysis predicts this variant is probably damaging to the protein structure/function. The W2640S variant is a strong candidate for a pathogenic variant, however the possibility it may be a rare benign variant cannot be excluded.